The following is an entry in ClinVar:

ClinVar aggregate classification (germline): Uncertain significance. Review status: criteria provided, multiple submitters, no conflicts (2 of 4 stars). 2 submissions from 2 submitters: Uncertain significance (2). Last evaluated 2018-08-20.

Conditions:
Breast-ovarian cancer, familial, susceptibility to, 4. Identifiers: Orphanet 145, MedGen C3280345, MONDO:0013669, OMIM 614291.
Hereditary cancer-predisposing syndrome. Also called: Neoplastic Syndromes, Hereditary; Hereditary Cancer Syndrome; Tumor predisposition; Hereditary neoplastic syndrome. Identifiers: Orphanet 140162, MedGen C0027672, MeSH D009386, MONDO:0015356.

Submissions (2):

Ambry Genetics
Classification: Uncertain significance for Hereditary cancer-predisposing syndrome. Last evaluated: 2018-08-20. Review status: criteria provided, single submitter. Criteria: Ambry Variant Classification Scheme 2023. Collection method: clinical testing. Allele origin: germline.
Comment: The c.480G>C variant (also known as p.Q160H), located in coding exon 5 of the RAD51D gene, results from a G to C substitution at nucleotide position 480. The amino acid change results in glutamine to histidine at codon 160, an amino acid with highly similar properties. However, this change occurs in the last base pair of coding exon 5, which makes it likely to have some effect on normal mRNA splicing. This amino acid position is highly conserved in available vertebrate species. In addition, this alteration is predicted to be tolerated by in silico analysis. Since supporting evidence is limited at this time, the clinical significance of this alteration remains unclear.

Labcorp Genetics (formerly Invitae), Labcorp
Classification: Uncertain significance for Breast-ovarian cancer, familial, susceptibility to, 4. Last evaluated: 2018-04-11. Review status: criteria provided, single submitter. Criteria: Invitae Variant Classification Sherloc (09022015). Collection method: clinical testing. Allele origin: germline.
Comment: This variant has not been reported in the literature in individuals with RAD51D-related disease. This variant is not present in population databases (ExAC no frequency). This sequence change replaces glutamine with histidine at codon 160 of the RAD51D protein (p.Gln160His). The glutamine residue is moderately conserved and there is a small physicochemical difference between glutamine and histidine. This variant also falls at the last nucleotide of exon 5 of the RAD51D coding sequence, which is part of the consensus splice site for this exon. Algorithms developed to predict the effect of missense changes on protein structure and function do not agree on the potential impact of this missense change (SIFT: "Deleterious"; PolyPhen-2: "Probably Damaging"; Align-GVGD: "Class C0"). In summary, the available evidence is currently insufficient to determine the role of this variant in disease. Therefore, it has been classified as a Variant of Uncertain Significance. Nucleotide substitutions within the consensus splice site are a relatively common cause of aberrant splicing (PMID: 17576681, 9536098). Algorithms developed to predict the effect of sequence changes on RNA splicing suggest that this variant may disrupt the consensus splice site, but this prediction has not been confirmed by published transcriptional studies.

Literature cited by the submitters: PubMed 17576681 (cited by Labcorp Genetics (formerly Invitae), Labcorp); PubMed 9536098 (cited by Labcorp Genetics (formerly Invitae), Labcorp).

NM_002878.4(RAD51D):c.480G>C (p.Gln160His)

Genes: RAD51D (RAD51 paralog D; minus strand), RAD51L3-RFFL (RAD51L3-RFFL readthrough; minus strand). Cytogenetic location: 17q12.
Variant type: single nucleotide variant.
Coding change: c.480G>C on transcript NM_002878.4 (MANE Select); coding-DNA position 480, G replaced by C.
Protein change: p.Gln160His; replaces glutamine 160 with histidine.
Molecular consequence: missense variant. On other transcripts: non-coding transcript variant (1), intron variant (1).
Genome position (GRCh38, 1-based): chr17:35,106,988, C>G on the plus strand (G>C on the coding strand, the complement: RAD51D is on the minus strand). VCF-style: chr17-35106988-C-G. GRCh37 (hg19) VCF-style: chr17-33434007-C-G.
Other names: c.540G>C, p.Gln180His (NM_001142571.2); c.145-507G>C (NM_133629.3); short protein forms Q160H, Q180H.
Identifiers: ClinVar variation 573293 (VCV000573293.10), dbSNP rs1567728219, ClinGen allele CA399089139.